The following is an entry in ClinVar:

NM_000322.5(PRPH2):c.497G>A (p.Cys166Tyr)

Gene: PRPH2 (peripherin 2; minus strand). Cytogenetic location: 6p21.1.
Variant type: single nucleotide variant.
Coding change: c.497G>A on transcript NM_000322.5 (MANE Select); coding-DNA position 497, G replaced by A.
Protein change: p.Cys166Tyr; replaces cysteine 166 with tyrosine.
Molecular consequence: missense variant.
Genome position (GRCh38, 1-based): chr6:42,721,838, C>T on the plus strand (G>A on the coding strand, the complement: PRPH2 is on the minus strand). VCF-style: chr6-42721838-C-T. GRCh37 (hg19) VCF-style: chr6-42689576-C-T.
Other names: short protein forms C166Y.
Identifiers: ClinVar variation 191208 (VCV000191208.11), dbSNP rs786205579, ClinGen allele CA236256.

ClinVar aggregate classification (germline): Conflicting classifications of pathogenicity. Review status: criteria provided, conflicting classifications (1 of 4 stars). 5 submissions from 5 submitters: Pathogenic (2); Likely pathogenic (1); Uncertain significance (1). 1 of the submissions does not count toward it. Last evaluated 2024-12-03.

Conditions:
PRPH2-related disorder. Also called: PRPH2-related condition; PRPH2-related disorders. Identifiers: MedGen CN239395.

Submissions (5):

GeneDx
Classification: Uncertain significance. Last evaluated: 2024-12-03. Review status: criteria provided, single submitter. Criteria: GeneDx Variant Classification Process June 2021. Collection method: clinical testing. Allele origin: germline. Affected: yes.
Comment: Not observed at significant frequency in large population cohorts (gnomAD); In silico analysis supports that this missense variant has a deleterious effect on protein structure/function; This variant is associated with the following publications: (PMID: 26355662, 34411390, 26061163)

Labcorp Genetics (formerly Invitae), Labcorp
Classification: Pathogenic for PRPH2-related disorder. Last evaluated: 2022-02-20. Review status: criteria provided, single submitter. Criteria: Invitae Variant Classification Sherloc (09022015). Collection method: clinical testing. Allele origin: germline.
Comment: ClinVar contains an entry for this variant (Variation ID: 191208). For these reasons, this variant has been classified as Pathogenic. Advanced modeling of protein sequence and biophysical properties (such as structural, functional, and spatial information, amino acid conservation, physicochemical variation, residue mobility, and thermodynamic stability) performed at Invitae indicates that this missense variant is expected to disrupt PRPH2 protein function. This missense change has been observed in individuals with PRPH2-related conditions (PMID: 26061163, 26355662; Invitae). This variant is not present in population databases (gnomAD no frequency). This sequence change replaces cysteine, which is neutral and slightly polar, with tyrosine, which is neutral and polar, at codon 166 of the PRPH2 protein (p.Cys166Tyr).

Blueprint Genetics
Classification: Pathogenic for PRPH2-related disorders. Last evaluated: 2019-01-23. Review status: criteria provided, single submitter. Criteria: ACMG Guidelines, 2015. Collection method: clinical testing. Allele origin: germline. Affected: yes. Observed: 1 variant allele.

Genomic Medicine Center of Excellence, King Faisal Specialist Hospital and Research Centre
Classification: Likely pathogenic. Review status: criteria provided, single submitter. Criteria: ACMG Guidelines, 2015. Collection method: research. Allele origin: germline. Affected: yes.

Leiden Open Variation Database
Classification: Uncertain significance. Last evaluated: 2021-04-29. Review status: no assertion criteria provided. Collection method: curation. Allele origin: germline. Affected: yes. Not counted in ClinVar's aggregate classification.
Comment: Curator: Global Variome, with Curator vacancy. Submitter to LOVD: Manon Peeters.

Literature cited by the submitters: PubMed 26061163 (cited by Labcorp Genetics (formerly Invitae), Labcorp and Leiden Open Variation Database); PubMed 26355662 (cited by Labcorp Genetics (formerly Invitae), Labcorp and Leiden Open Variation Database).